The following is an entry in ClinVar:

NM_001184.4(ATR):c.1289A>C (p.Lys430Thr)

Gene: ATR (ATR checkpoint kinase; minus strand). Cytogenetic location: 3q23.
Variant type: single nucleotide variant.
Coding change: c.1289A>C on transcript NM_001184.4 (MANE Select); coding-DNA position 1289, A replaced by C.
Protein change: p.Lys430Thr; replaces lysine 430 with threonine.
Molecular consequence: missense variant.
Genome position (GRCh38, 1-based): chr3:142,561,303, T>G on the plus strand (A>C on the coding strand, the complement: ATR is on the minus strand). VCF-style: chr3-142561303-T-G. GRCh37 (hg19) VCF-style: chr3-142280145-T-G.
Other names: c.1289A>C, p.Lys430Thr (NM_001354579.2); short protein forms K430T.
Identifiers: ClinVar variation 1769032 (VCV001769032.5), dbSNP rs1317996314, ClinGen allele CA354823233.

ClinVar aggregate classification (germline): Uncertain significance. Review status: criteria provided, multiple submitters, no conflicts (2 of 4 stars). 2 submissions from 2 submitters: Uncertain significance (2). Last evaluated 2025-02-02.

Conditions:
Inborn genetic diseases. Identifiers: MedGen C0950123, MeSH D030342.

Allele frequency attached by ClinVar (database versions not stated): TOPMed below 0.00001; gnomAD 0.00001; gnomAD exomes 0.00002.
gnomAD v4.1: 27 of 1,614,018 alleles (0.0017%); highest among the groups gnomAD compares: Non-Finnish European, 0.0023%; no homozygotes.

Submissions (2):

Labcorp Genetics (formerly Invitae), Labcorp
Classification: Uncertain significance. Last evaluated: 2025-02-02. Review status: criteria provided, single submitter. Criteria: Invitae Variant Classification Sherloc (09022015). Collection method: clinical testing. Allele origin: germline.
Comment: This sequence change replaces lysine, which is basic and polar, with threonine, which is neutral and polar, at codon 430 of the ATR protein (p.Lys430Thr). This variant is present in population databases (no rsID available, gnomAD 0.002%). This variant has not been reported in the literature in individuals affected with ATR-related conditions. ClinVar contains an entry for this variant (Variation ID: 1769032). An algorithm developed to predict the effect of missense changes on protein structure and function (PolyPhen-2) suggests that this variant is likely to be disruptive. In summary, the available evidence is currently insufficient to determine the role of this variant in disease. Therefore, it has been classified as a Variant of Uncertain Significance.

Ambry Genetics
Classification: Uncertain significance for Inborn genetic diseases. Last evaluated: 2023-09-09. Review status: criteria provided, single submitter. Criteria: Ambry Variant Classification Scheme 2023. Collection method: clinical testing. Allele origin: germline.
Comment: The p.K430T variant (also known as c.1289A>C), located in coding exon 5 of the ATR gene, results from an A to C substitution at nucleotide position 1289. The lysine at codon 430 is replaced by threonine, an amino acid with similar properties. This amino acid position is conserved. In addition, this alteration is predicted to be tolerated by in silico analysis. Since supporting evidence is limited at this time, the clinical significance of this alteration remains unclear.